The following is an entry in ClinVar:

NM_016239.4(MYO15A):c.8363del (p.Gln2788fs)

Gene: MYO15A (myosin XVA; plus strand). Cytogenetic location: 17p11.2.
Variant type: Deletion.
Coding change: c.8363del on transcript NM_016239.4 (MANE Select); coding-DNA position 8363, one base deleted (A; older notation c.8363delA).
Protein change: p.Gln2788fs; shifts the reading frame from glutamine 2788.
Molecular consequence: frameshift variant.
Genome position (GRCh38, 1-based): chr17:18,155,336, A deleted. VCF-style (leftmost placement, unchanged base first): chr17-18155335-CA-C. GRCh37 (hg19) VCF-style: chr17-18058649-CA-C.
Other names: short protein forms Q2788fs.
Identifiers: ClinVar variation 1454888 (VCV001454888.6), dbSNP rs2142381999, ClinGen allele CA2573153196.

ClinVar aggregate classification (germline): Pathogenic (1 of 4 stars; one submission).

Submission:

Labcorp Genetics (formerly Invitae), Labcorp
Classification: Pathogenic. Last evaluated: 2021-04-09. Review status: criteria provided, single submitter. Criteria: Invitae Variant Classification Sherloc (09022015). Collection method: clinical testing. Allele origin: germline.
Comment: This variant has not been reported in the literature in individuals with MYO15A-related conditions. For these reasons, this variant has been classified as Pathogenic. This variant is not present in population databases (ExAC no frequency). This sequence change creates a premature translational stop signal (p.Gln2788Argfs*3) in the MYO15A gene. It is expected to result in an absent or disrupted protein product. Loss-of-function variants in MYO15A are known to be pathogenic (PMID: 17546645).

Literature cited by the submitters: PubMed 17546645.